The following is an entry in ClinVar:

ClinVar aggregate classification (germline): Benign/Likely benign. Review status: criteria provided, multiple submitters, no conflicts (2 of 4 stars). 18 submissions from 18 submitters: Benign (8); Likely benign (4). 6 of the submissions do not count toward it. Last evaluated 2026-02-02.

Conditions:
Atypical hemolytic-uremic syndrome with B factor anomaly. Also called: HEMOLYTIC UREMIC SYNDROME, ATYPICAL, SUSCEPTIBILITY TO, 4; AHUS, SUSCEPTIBILITY TO, 4. Identifiers: Orphanet 2134, MedGen C2752038, MONDO:0013042, OMIM 612924.
CFB-related disorder. Also called: CFB-related disorders; CFB-related condition.
Complement factor b deficiency. Identifiers: MedGen C3809950, MONDO:0014255, OMIM 615561.
Age related macular degeneration 14. Also called: MACULAR DEGENERATION, AGE-RELATED, 14, REDUCED RISK OF. Identifiers: MedGen C3809653, MONDO:0014207, OMIM 615489.
Atypical hemolytic-uremic syndrome. Identifiers: Orphanet 2134, MedGen C2931788, MONDO:0016244.
Complement component 2 deficiency (C2D). Also called: C2 deficiency. Identifiers: MedGen C0398756, MONDO:0009006, OMIM 217000.

Allele frequency attached by ClinVar (database versions not stated): TOPMed 0.02923; 1000 Genomes Project 30x 0.02936; 1000 Genomes Project 0.02995; gnomAD 0.03314 and 0.03411; gnomAD exomes 0.03873 and 0.04308; ExAC 0.03895.
gnomAD v4.1: 67,811 of 1,613,062 alleles (4.2%); highest among the groups gnomAD compares: South Asian, 5.2%; 1,538 homozygotes.

Submissions (18):

Labcorp Genetics (formerly Invitae), Labcorp
Classification: Benign. Last evaluated: 2026-02-02. Review status: criteria provided, single submitter. Criteria: Invitae Variant Classification Sherloc (09022015). Collection method: clinical testing. Allele origin: germline.

Women's Health and Genetics/Laboratory Corporation of America, LabCorp
Classification: Likely benign. Last evaluated: 2026-01-21. Review status: criteria provided, single submitter. Criteria: LabCorp Variant Classification Summary - May 2015. Collection method: clinical testing. Allele origin: germline.

Genomenon, Inc
Classification: Benign for Atypical hemolytic-uremic syndrome. Last evaluated: 2025-09-26. Review status: criteria provided, single submitter. Criteria: Genomenon Sequence Variant Interpretation Standards - Updated. Collection method: curation. Allele origin: germline. Affected: no.
Comment: CFB p.Leu9His (c.26T>A) is a missense variant that changes the amino acid at residue 9 from Leucine to Histidine. This variant is present at high allele frequency in population databases. In conclusion, we classify CFB p.Leu9His (c.26T>A) as a benign variant.

Blueprint Genetics
Classification: Likely benign. Last evaluated: 2024-11-26. Review status: criteria provided, single submitter. Criteria: ACMG Guidelines, 2015. Collection method: clinical testing. Allele origin: germline.

Mayo Clinic Laboratories, Mayo Clinic
Classification: Benign. Last evaluated: 2022-10-27. Review status: criteria provided, single submitter. Criteria: ACMG Guidelines, 2015. Collection method: clinical testing. Allele origin: germline. Observed: 153 variant alleles.
Comment: BA1, BP4

Genome Diagnostics Laboratory, The Hospital for Sick Children
Classification: Benign for Atypical hemolytic-uremic syndrome. Last evaluated: 2022-09-02. Review status: criteria provided, single submitter. Criteria: ACMG Guidelines, 2015. Collection method: clinical testing. Allele origin: germline.

Fulgent Genetics
Classification: Benign for Atypical hemolytic-uremic syndrome with B factor anomaly; Age related macular degeneration 14; Complement factor b deficiency. Last evaluated: 2022-04-25. Review status: criteria provided, single submitter. Criteria: ACMG Guidelines, 2015. Collection method: clinical testing. Allele origin: unknown.

GeneDx
Classification: Benign. Last evaluated: 2021-06-10. Review status: criteria provided, single submitter. Criteria: GeneDx Variant Classification Process June 2021. Collection method: clinical testing. Allele origin: germline. Affected: yes.
Comment: This variant is associated with the following publications: (PMID: 16518403, 16936732)

Mendelics
Classification: Benign for Complement component 2 deficiency. Last evaluated: 2019-05-28. Review status: criteria provided, single submitter. Criteria: Mendelics Assertion Criteria 2017. Collection method: clinical testing. Allele origin: unknown.

Illumina Laboratory Services, Illumina
Classification: Likely benign for Atypical hemolytic-uremic syndrome with B factor anomaly. Last evaluated: 2017-04-27. Review status: criteria provided, single submitter. Criteria: ICSL Variant Classification Criteria 13 December 2019. Collection method: clinical testing. Allele origin: germline.
Comment: This variant was observed as part of a predisposition screen in an ostensibly healthy population. A literature search was performed for the gene, cDNA change, and amino acid change (where applicable). No publications were found based on this search. Allele frequency data from public databases allowed determination this variant is unlikely to cause disease. Therefore, this variant is classified as likely benign.

Laboratory for Molecular Medicine, Mass General Brigham Personalized Medicine
Classification: Benign. Last evaluated: 2016-03-28. Review status: criteria provided, single submitter. Criteria: LMM Criteria. Collection method: clinical testing. Allele origin: germline.
Comment: Variant identified in a genome or exome case(s) and assessed due to predicted null impact of the variant or pathogenic assertions in the literature or databases. Disclaimer: This variant has not undergone full assessment. The following are preliminary notes: MAF

Breakthrough Genomics
Classification: Likely benign. Review status: criteria provided, single submitter. Criteria: ACMG Guidelines, 2015. Collection method: not provided. Allele origin: germline. Inheritance: Autosomal recessive inheritance. Affected: yes.

PreventionGenetics, part of Exact Sciences
Classification: Benign for CFB-related condition. Last evaluated: 2019-07-26. Review status: no assertion criteria provided. Collection method: clinical testing. Allele origin: germline. Not counted in ClinVar's aggregate classification.
Comment: This variant is classified as benign based on ACMG/AMP sequence variant interpretation guidelines (Richards et al. 2015 PMID: 25741868, with internal and published modifications).

OMIM
Classification: Pathogenic for MACULAR DEGENERATION, AGE-RELATED, 14, REDUCED RISK OF. Last evaluated: 2006-09-01. Review status: no assertion criteria provided. Collection method: literature only. Allele origin: germline. Not counted in ClinVar's aggregate classification.

Diagnostic Laboratory, Department of Genetics, University Medical Center Groningen
Classification: Benign. Review status: no assertion criteria provided. Collection method: clinical testing. Allele origin: germline. Affected: yes. Study: VKGL Data-share Consensus. Not counted in ClinVar's aggregate classification.

Genome Diagnostics Laboratory, University Medical Center Utrecht
Classification: Benign. Review status: no assertion criteria provided. Collection method: clinical testing. Allele origin: germline. Affected: yes. Study: VKGL Data-share Consensus. Not counted in ClinVar's aggregate classification.

Joint Genome Diagnostic Labs from Nijmegen and Maastricht, Radboudumc and MUMC+
Classification: Likely benign. Review status: no assertion criteria provided. Collection method: clinical testing. Allele origin: germline. Affected: yes. Study: VKGL Data-share Consensus. Not counted in ClinVar's aggregate classification.

Laboratory of Diagnostic Genome Analysis, Leiden University Medical Center (LUMC)
Classification: Likely benign. Review status: no assertion criteria provided. Collection method: clinical testing. Allele origin: germline. Affected: yes. Study: VKGL Data-share Consensus. Not counted in ClinVar's aggregate classification.

Literature cited by the submitters: PubMed 16518403 (cited by OMIM); PubMed 16936732 (cited by OMIM).

NM_001710.6(CFB):c.26T>A (p.Leu9His)

Gene: CFB (complement factor B; plus strand). Cytogenetic location: 6p21.33.
Variant type: single nucleotide variant.
Coding change: c.26T>A on transcript NM_001710.6 (MANE Select); coding-DNA position 26, T replaced by A.
Protein change: p.Leu9His; replaces leucine 9 with histidine.
Molecular consequence: missense variant.
Genome position (GRCh38, 1-based): chr6:31,946,247, T>A. VCF-style: chr6-31946247-T-A. GRCh37 (hg19) VCF-style: chr6-31914024-T-A.
Other names: short protein forms L9H.
Identifiers: ClinVar variation 16077 (VCV000016077.36), dbSNP rs4151667, ClinGen allele CA126184.